The following is an entry in ClinVar:

ClinVar aggregate classification (germline): Uncertain significance. Review status: criteria provided, multiple submitters, no conflicts (2 of 4 stars). 2 submissions from 2 submitters: Uncertain significance (2). Last evaluated 2025-09-26.

Conditions:
Atypical hemolytic-uremic syndrome. Identifiers: Orphanet 2134, MedGen C2931788, MONDO:0016244.

gnomAD v4.1: 20 of 1,612,872 alleles (0.0012%); highest among the groups gnomAD compares: Non-Finnish European, 0.0017%; no homozygotes.

Submissions (2):

Genomenon, Inc
Classification: Uncertain significance for Atypical hemolytic-uremic syndrome. Last evaluated: 2025-09-26. Review status: criteria provided, single submitter. Criteria: Genomenon Sequence Variant Interpretation Standards - Updated. Collection method: curation. Allele origin: germline. Affected: yes.
Comment: CFB p.Glu601Lys (c.1801G>A) is a missense variant that changes the amino acid at residue 601 from Glutamic acid to Lysine. This variant has been observed in at least one proband affected with atypical hemolytic-uremic syndrome (PMID:34177949;37744338). Functional studies have been reported; however, the significance of the findings remain unclear (PMID:34177949). It is absent or not present at a significant frequency in gnomAD. In silico models agree that this variant is not damaging. In conclusion, we classify CFB p.Glu601Lys (c.1801G>A) as a variant of uncertain significance.

Labcorp Genetics (formerly Invitae), Labcorp
Classification: Uncertain significance. Last evaluated: 2024-07-30. Review status: criteria provided, single submitter. Criteria: Invitae Variant Classification Sherloc (09022015). Collection method: clinical testing. Allele origin: germline.
Comment: This sequence change replaces glutamic acid, which is acidic and polar, with lysine, which is basic and polar, at codon 601 of the CFB protein (p.Glu601Lys). This variant is present in population databases (rs756325732, gnomAD 0.003%). This missense change has been observed in individual(s) with clinical features of CFB-related conditions (PMID: 34177949). Advanced modeling of protein sequence and biophysical properties (such as structural, functional, and spatial information, amino acid conservation, physicochemical variation, residue mobility, and thermodynamic stability) performed at Invitae indicates that this missense variant is not expected to disrupt CFB protein function with a negative predictive value of 80%. Experimental studies have shown that this missense change does not substantially affect CFB function (PMID: 34177949). In summary, the available evidence is currently insufficient to determine the role of this variant in disease. Therefore, it has been classified as a Variant of Uncertain Significance.

Literature cited by the submitters: PubMed 34177949 (cited by Genomenon, Inc and Labcorp Genetics (formerly Invitae), Labcorp).

NM_001710.6(CFB):c.1801G>A (p.Glu601Lys)

Gene: CFB (complement factor B; plus strand). Cytogenetic location: 6p21.33.
Variant type: single nucleotide variant.
Coding change: c.1801G>A on transcript NM_001710.6 (MANE Select); coding-DNA position 1801, G replaced by A.
Protein change: p.Glu601Lys; replaces glutamic acid 601 with lysine.
Molecular consequence: missense variant.
Genome position (GRCh38, 1-based): chr6:31,950,890, G>A. VCF-style: chr6-31950890-G-A. GRCh37 (hg19) VCF-style: chr6-31918667-G-A.
Other names: short protein forms E601K.
Identifiers: ClinVar variation 3677047 (VCV003677047.3).